The following is an entry in ClinVar:

ClinVar aggregate classification (germline): Likely benign (1 of 4 stars; one submission).

Allele frequency attached by ClinVar (database versions not stated): gnomAD 0.00044; 1000 Genomes Project 30x 0.00047; gnomAD exomes 0.00048; TOPMed 0.00051; ESP Exome Variant Server 0.00055; 1000 Genomes Project 0.00060; ExAC 0.00064.
gnomAD v4.1: 809 of 1,613,766 alleles (0.05%); highest among the groups gnomAD compares: Middle Eastern, 0.82%; 1 homozygote.

Submission:

CeGaT Center for Human Genetics Tuebingen
Classification: Likely benign. Last evaluated: 2023-08-01. Review status: criteria provided, single submitter. Criteria: CeGaT Center For Human Genetics Tuebingen Variant Classification Criteria Version 2. Collection method: clinical testing. Allele origin: germline. Affected: yes. Observed: 2 variant alleles.
Comment: AGBL1: BP4

NM_001386094.1(AGBL1):c.735+4G>A

Gene: AGBL1 (AGBL carboxypeptidase 1; plus strand). Cytogenetic location: 15q25.3.
Variant type: single nucleotide variant.
Coding change: c.735+4G>A on transcript NM_001386094.1 (MANE Select); 4 bases into the intron after coding-DNA position 735, G replaced by A.
Molecular consequence: intron variant.
Genome position (GRCh38, 1-based): chr15:86,247,883, G>A. VCF-style: chr15-86247883-G-A. GRCh37 (hg19) VCF-style: chr15-86791114-G-A.
Other names: c.735+4G>A (NM_152336.4).
Identifiers: ClinVar variation 2645664 (VCV002645664.24), dbSNP rs184824180, ClinGen allele CA7715465.